The following is an entry in ClinVar:

NM_000426.4(LAMA2):c.101A>G (p.His34Arg)

Gene: LAMA2 (laminin subunit alpha 2; plus strand). Cytogenetic location: 6q22.33.
Variant type: single nucleotide variant.
Coding change: c.101A>G on transcript NM_000426.4 (MANE Select); coding-DNA position 101, A replaced by G.
Protein change: p.His34Arg; replaces histidine 34 with arginine.
Molecular consequence: missense variant.
Genome position (GRCh38, 1-based): chr6:128,883,346, A>G. VCF-style: chr6-128883346-A-G. GRCh37 (hg19) VCF-style: chr6-129204491-A-G.
Other names: c.101A>G, p.His34Arg (NM_001079823.2); short protein forms H34R.
Identifiers: ClinVar variation 92936 (VCV000092936.13), dbSNP rs398123366, ClinGen allele CA220737.

ClinVar aggregate classification (germline): Uncertain significance. Review status: criteria provided, multiple submitters, no conflicts (2 of 4 stars). 2 submissions from 2 submitters: Uncertain significance (2). Last evaluated 2021-08-30.

Conditions:
LAMA2-related muscular dystrophy (LAMA2-RD). Also called: Laminin alpha 2-related dystrophy. Identifiers: MedGen C5679788, MONDO:0100228.

Submissions (2):

Labcorp Genetics (formerly Invitae), Labcorp
Classification: Uncertain significance for LAMA2-related muscular dystrophy. Last evaluated: 2021-08-30. Review status: criteria provided, single submitter. Criteria: Invitae Variant Classification Sherloc (09022015). Collection method: clinical testing. Allele origin: germline.
Comment: This sequence change replaces histidine with arginine at codon 34 of the LAMA2 protein (p.His34Arg). The histidine residue is weakly conserved and there is a small physicochemical difference between histidine and arginine. This variant is not present in population databases (ExAC no frequency). This variant has not been reported in the literature in individuals affected with LAMA2-related conditions. ClinVar contains an entry for this variant (Variation ID: 92936). Algorithms developed to predict the effect of missense changes on protein structure and function are either unavailable or do not agree on the potential impact of this missense change (SIFT: "Tolerated"; PolyPhen-2: "Not Available"; Align-GVGD: "Class C0"). Algorithms developed to predict the effect of sequence changes on RNA splicing suggest that this variant may create or strengthen a splice site. In summary, the available evidence is currently insufficient to determine the role of this variant in disease. Therefore, it has been classified as a Variant of Uncertain Significance.

Eurofins Ntd Llc (ga)
Classification: Uncertain significance. Last evaluated: 2013-02-08. Review status: criteria provided, single submitter. Criteria: EGL Classification Definitions 2015. Collection method: clinical testing. Allele origin: germline. Observed: 1 variant allele, 1 heterozygote.